The following is an entry in ClinVar:

ClinVar aggregate classification (germline): Likely benign. Review status: criteria provided, single submitter (1 of 4 stars). 2 submissions from 2 submitters: Likely benign (1). 1 of the submissions does not count toward it. Last evaluated 2025-12-15.

Conditions:
CD79B-related disorder. Also called: CD79B-related condition.
Agammaglobulinemia 6, autosomal recessive (AGM6). Also called: AGAMMAGLOBULINEMIA 6; AGAMMAGLOBULINEMIA, AUTOSOMAL RECESSIVE, DUE TO CD79B DEFECT. Identifiers: MedGen C3150207, MONDO:0012987, OMIM 612692.

Allele frequency attached by ClinVar (database versions not stated): gnomAD exomes 0.00007 and 0.00012; ExAC 0.00015; ESP Exome Variant Server 0.00023; 1000 Genomes Project 30x 0.00031; 1000 Genomes Project 0.00040; gnomAD 0.00054 and 0.00059; TOPMed 0.00064.
gnomAD v4.1: 187 of 1,606,296 alleles (0.012%); highest among the groups gnomAD compares: African/African-American, 0.19%; no homozygotes.

Submissions (2):

Labcorp Genetics (formerly Invitae), Labcorp
Classification: Likely benign for Agammaglobulinemia 6, autosomal recessive. Last evaluated: 2025-12-15. Review status: criteria provided, single submitter. Criteria: Invitae Variant Classification Sherloc (09022015). Collection method: clinical testing. Allele origin: germline.

PreventionGenetics, part of Exact Sciences
Classification: Likely benign for CD79B-related condition. Last evaluated: 2019-11-14. Review status: no assertion criteria provided. Collection method: clinical testing. Allele origin: germline. Not counted in ClinVar's aggregate classification.
Comment: This variant is classified as likely benign based on ACMG/AMP sequence variant interpretation guidelines (Richards et al. 2015 PMID: 25741868, with internal and published modifications).

NM_000626.4(CD79B):c.431-4G>A

Genes: CD79B (CD79b molecule; minus strand), GH-LCR (growth hormone locus control region; plus strand). Cytogenetic location: 17q23.3.
Variant type: single nucleotide variant.
Coding change: c.431-4G>A on transcript NM_000626.4 (MANE Select); 4 bases into the intron before coding-DNA position 431, G replaced by A.
Molecular consequence: intron variant.
Genome position (GRCh38, 1-based): chr17:63,929,892, C>T on the plus strand (G>A on the coding strand, the complement: CD79B is on the minus strand). VCF-style: chr17-63929892-C-T. GRCh37 (hg19) VCF-style: chr17-62007252-C-T.
Other names: c.119-4G>A (NM_021602.4); c.122-4G>A (NM_001329050.2); c.434-4G>A (NM_001039933.3).
Identifiers: ClinVar variation 742165 (VCV000742165.13), dbSNP rs201051431, ClinGen allele CA8708546.